The following is an entry in ClinVar:

NM_017813.5(BPNT2):c.-4C>T

Genes: BPNT2 (3'(2'), 5'-bisphosphate nucleotidase 2; minus strand), LOC130000433 (ATAC-STARR-seq lymphoblastoid silent region 19212; plus strand). Cytogenetic location: 8q12.1.
Variant type: single nucleotide variant.
Coding change: c.-4C>T on transcript NM_017813.5 (MANE Select); 4 bases upstream of the start codon, C replaced by T.
Molecular consequence: 5 prime UTR variant.
Genome position (GRCh38, 1-based): chr8:56,993,589, G>A on the plus strand (C>T on the coding strand, the complement: BPNT2 is on the minus strand). VCF-style: chr8-56993589-G-A. GRCh37 (hg19) VCF-style: chr8-57906148-G-A.
Identifiers: ClinVar variation 3047685 (VCV003047685.2), dbSNP rs2487134206, ClinGen allele CA2687350174.

ClinVar aggregate classification (germline): Likely benign (0 of 4 stars; one submission).

Conditions:
BPNT2-related disorder. Also called: BPNT2-related condition.

Submission:

PreventionGenetics, part of Exact Sciences
Classification: Likely benign for BPNT2-related condition. Last evaluated: 2019-02-28. Review status: no assertion criteria provided. Collection method: clinical testing. Allele origin: germline.
Comment: This variant is classified as likely benign based on ACMG/AMP sequence variant interpretation guidelines (Richards et al. 2015 PMID: 25741868, with internal and published modifications).